The following is an entry in ClinVar:

NM_001148.6(ANK2):c.2840T>C (p.Leu947Pro)

Gene: ANK2 (ankyrin 2; plus strand). Cytogenetic location: 4q26.
Variant type: single nucleotide variant.
Coding change: c.2840T>C on transcript NM_001148.6 (MANE Select); coding-DNA position 2840, T replaced by C.
Protein change: p.Leu947Pro; replaces leucine 947 with proline.
Molecular consequence: missense variant.
Genome position (GRCh38, 1-based): chr4:113,318,560, T>C. VCF-style: chr4-113318560-T-C. GRCh37 (hg19) VCF-style: chr4-114239716-T-C.
Other names: p.L947P:CTA>CCA; c.2777T>C, p.Leu926Pro (NM_001127493.3, NM_001354243.2, NM_001354255.2 and 3 more transcripts); c.2852T>C, p.Leu951Pro (NM_001354225.2); c.2840T>C, p.Leu947Pro (NM_001354228.2, NM_001354232.2, NM_001354258.2 and 1 more transcripts); c.2882T>C, p.Leu961Pro (NM_001354230.2, NM_001354231.2, NM_001354237.2 and 1 more transcripts); c.2837T>C, p.Leu946Pro (NM_001354235.2, NM_001354236.2, NM_001354246.2 and 1 more transcripts); c.2774T>C, p.Leu925Pro (NM_001354239.2, NM_001354244.2, NM_001354252.2 and 3 more transcripts); c.2885T>C, p.Leu962Pro (NM_001354240.2, NM_001354241.2, NM_001386144.1); and 18 more; short protein forms L926P, L947P, L880P, L914P, L918P, L925P, L946P, L951P.
Identifiers: ClinVar variation 190599 (VCV000190599.2), dbSNP rs786205734, ClinGen allele CA301041.

ClinVar aggregate classification (germline): Uncertain significance (1 of 4 stars; one submission).

Allele frequency attached by ClinVar (database versions not stated): gnomAD exomes below 0.00001.
gnomAD v4.1: 1 of 1,613,878 alleles (0.000062%); highest among the groups gnomAD compares: Non-Finnish European, 0.000085%; no homozygotes.

Submission:

GeneDx
Classification: Uncertain significance. Last evaluated: 2018-08-01. Review status: criteria provided, single submitter. Criteria: GeneDx Variant Classification (06012015). Collection method: clinical testing. Allele origin: germline. Affected: yes.
Comment: p.Leu947Pro (CTA>CCA): c.2840 T>C in exon 26 of the ANK2 gene (NM_001148.4). The L947P variant has not been published as a mutation, nor has it been reported as a benign polymorphism to our knowledge. The L947P variant was not observed in approximately 6,500 individuals of European and African American ancestry in the NHLBI Exome Sequencing Project, indicating it is not a common benign variant in these populations. The L947P variant is a semi-conservative amino acid substitution, which may impact secondary protein structure as these residues differ in some properties. This substitution occurs at a position that is conserved across species and in silico analysis predicts this variant is probably damaging to the protein structure/function. However, missense mutations in nearby residues have not been reported, indicating this region of the protein may be tolerant of change. Therefore, based on the currently available information, it is unclear whether this variant is a pathogenic mutation or a rare benign variant. The variant is found in LQT panel(s).